The following is an entry in ClinVar:

ClinVar aggregate classification (germline): Uncertain significance. Review status: criteria provided, multiple submitters, no conflicts (2 of 4 stars). 2 submissions from 2 submitters: Uncertain significance (2). Last evaluated 2025-12-08.

gnomAD v4.1: 2 of 1,610,252 alleles (0.00012%); highest among the groups gnomAD compares: Non-Finnish European, 0.00017%; no homozygotes.

Submissions (2):

Women's Health and Genetics/Laboratory Corporation of America, LabCorp
Classification: Uncertain significance. Last evaluated: 2025-12-08. Review status: criteria provided, single submitter. Criteria: LabCorp Variant Classification Summary - May 2015. Collection method: clinical testing. Allele origin: germline.

Labcorp Genetics (formerly Invitae), Labcorp
Classification: Uncertain significance. Last evaluated: 2024-03-06. Review status: criteria provided, single submitter. Criteria: Invitae Variant Classification Sherloc (09022015). Collection method: clinical testing. Allele origin: germline.
Comment: This sequence change falls in intron 6 of the RASA2 gene. It does not directly change the encoded amino acid sequence of the RASA2 protein. It affects a nucleotide within the consensus splice site. This variant is not present in population databases (gnomAD no frequency). This variant has not been reported in the literature in individuals affected with RASA2-related conditions. Variants that disrupt the consensus splice site are a relatively common cause of aberrant splicing (PMID: 17576681, 9536098). Algorithms developed to predict the effect of sequence changes on RNA splicing suggest that this variant is not likely to affect RNA splicing. In summary, the available evidence is currently insufficient to determine the role of this variant in disease. Therefore, it has been classified as a Variant of Uncertain Significance.

Literature cited by the submitters: PubMed 17576681 (cited by Labcorp Genetics (formerly Invitae), Labcorp); PubMed 9536098 (cited by Labcorp Genetics (formerly Invitae), Labcorp).

NM_006506.5(RASA2):c.612-3C>T

Gene: RASA2 (RAS p21 protein activator 2; plus strand). Cytogenetic location: 3q23.
Variant type: single nucleotide variant.
Coding change: c.612-3C>T on transcript NM_006506.5 (MANE Select); 3 bases into the intron before coding-DNA position 612, C replaced by T.
Molecular consequence: intron variant.
Genome position (GRCh38, 1-based): chr3:141,555,837, C>T. VCF-style: chr3-141555837-C-T. GRCh37 (hg19) VCF-style: chr3-141274679-C-T.
Other names: c.612-3C>T (NM_001303245.3, NM_001303246.3).
Identifiers: ClinVar variation 3613888 (VCV003613888.3).